The following is an entry in ClinVar:

NC_000008.10:g.(42958974_42977249)_(42978578_?)dup

Gene: POMK (protein O-mannose kinase; plus strand). Cytogenetic location: 8p11.21.
Variant type: Duplication.
Identifiers: ClinVar variation 3068782 (VCV003068782.1).

ClinVar aggregate classification (germline): Uncertain significance (1 of 4 stars; one submission).

Submission:

Women's Health and Genetics/Laboratory Corporation of America, LabCorp
Classification: Uncertain significance. Last evaluated: 2024-02-01. Review status: criteria provided, single submitter. Criteria: LabCorp Variant Classification Summary - May 2015. Collection method: clinical testing. Allele origin: germline.
Comment: Variant summary: The variant involves the duplication of exon 5 in the POMK gene. A presumed nomenclature of c.(282+1_283-1)_(*558_?)dup has been designated for the purposes of this classification. The exact breakpoint at the 3' end of this variant is unknown, therefore this duplication may extend downstream of the annotated region of the gene. As it duplicates the termination codon, its effect on the encoded protein is unknown. The variant was absent in 21680 control chromosomes. The available data on variant occurrences in the general population are insufficient to allow any conclusion about variant significance. To our knowledge, no occurrence of c.(282+1_283-1)_(*558_?)dup in individuals affected with Muscular Dystrophy-Dystroglycanopathy (congenital With Brain And Eye Anomalies), Type A, 12 and no experimental evidence demonstrating its impact on protein function have been reported. ClinVar contains an entry for this variant (Variation ID: 2427026). Based on the evidence outlined above, the variant was classified as uncertain significance.